The following is an entry in ClinVar:

NM_004385.5(VCAN):c.3641T>C (p.Val1214Ala)

Gene: VCAN (versican; plus strand). Cytogenetic location: 5q14.3.
Variant type: single nucleotide variant.
Coding change: c.3641T>C on transcript NM_004385.5 (MANE Select); coding-DNA position 3641, T replaced by C.
Protein change: p.Val1214Ala; replaces valine 1214 with alanine.
Molecular consequence: missense variant. On other transcripts: intron variant (2).
Genome position (GRCh38, 1-based): chr5:83,521,947, T>C. VCF-style: chr5-83521947-T-C. GRCh37 (hg19) VCF-style: chr5-82817766-T-C.
Other names: c.3641T>C, p.Val1214Ala (NM_001164098.2); c.1042+9551T>C (NM_001164097.2, NM_001126336.3); short protein forms V1214A.
Identifiers: ClinVar variation 955521 (VCV000955521.9), dbSNP rs747252684, ClinGen allele CA3333029.

ClinVar aggregate classification (germline): Uncertain significance (1 of 4 stars; one submission).

Allele frequency attached by ClinVar (database versions not stated): gnomAD exomes 0.00001; ExAC 0.00002.
gnomAD v4.1: 8 of 1,614,202 alleles (0.0005%); highest among the groups gnomAD compares: Non-Finnish European, 0.00068%; no homozygotes.

Submission:

Labcorp Genetics (formerly Invitae), Labcorp
Classification: Uncertain significance. Last evaluated: 2022-10-13. Review status: criteria provided, single submitter. Criteria: Invitae Variant Classification Sherloc (09022015). Collection method: clinical testing. Allele origin: germline.
Comment: This sequence change replaces valine, which is neutral and non-polar, with alanine, which is neutral and non-polar, at codon 1214 of the VCAN protein (p.Val1214Ala). This variant is present in population databases (rs747252684, gnomAD 0.003%). This variant has not been reported in the literature in individuals affected with VCAN-related conditions. ClinVar contains an entry for this variant (Variation ID: 955521). Algorithms developed to predict the effect of missense changes on protein structure and function output the following: SIFT: "Tolerated"; PolyPhen-2: "Benign"; Align-GVGD: "Class C0". The alanine amino acid residue is found in multiple mammalian species, which suggests that this missense change does not adversely affect protein function. In summary, the available evidence is currently insufficient to determine the role of this variant in disease. Therefore, it has been classified as a Variant of Uncertain Significance.